The following is an entry in ClinVar:

ClinVar aggregate classification (germline): Uncertain significance (1 of 4 stars; one submission).

Conditions:
Inborn genetic diseases. Identifiers: MedGen C0950123, MeSH D030342.

Allele frequency attached by ClinVar (database versions not stated): gnomAD exomes 0.00001.
gnomAD v4.1: 3 of 1,614,180 alleles (0.00019%); highest among the groups gnomAD compares: Non-Finnish European, 0.00017%; no homozygotes.

Submission:

Ambry Genetics
Classification: Uncertain significance for Inborn genetic diseases. Last evaluated: 2021-09-17. Review status: criteria provided, single submitter. Criteria: Ambry Variant Classification Scheme 2023. Collection method: clinical testing. Allele origin: germline.
Comment: The p.V97A variant (also known as c.290T>C), located in coding exon 3 of the MDH2 gene, results from a T to C substitution at nucleotide position 290. The valine at codon 97 is replaced by alanine, an amino acid with similar properties. This amino acid position is conserved. In addition, the in silico prediction for this alteration is inconclusive. Since supporting evidence is limited at this time, the clinical significance of this alteration remains unclear.

NM_005918.4(MDH2):c.290T>C (p.Val97Ala)

Gene: MDH2 (malate dehydrogenase 2; plus strand). Cytogenetic location: 7q11.23.
Variant type: single nucleotide variant.
Coding change: c.290T>C on transcript NM_005918.4 (MANE Select); coding-DNA position 290, T replaced by C.
Protein change: p.Val97Ala; replaces valine 97 with alanine.
Molecular consequence: missense variant. On other transcripts: 5 prime UTR variant (1).
Genome position (GRCh38, 1-based): chr7:76,057,464, T>C. VCF-style: chr7-76057464-T-C. GRCh37 (hg19) VCF-style: chr7-75686782-T-C.
Other names: c.290T>C, p.Val97Ala (NM_001282403.2); c.-32T>C (NM_001282404.2); short protein forms V97A.
Identifiers: ClinVar variation 1797572 (VCV001797572.2), dbSNP rs2535857921, ClinGen allele CA367763531.